The following is an entry in ClinVar:

NM_176787.5(PIGN):c.556T>C (p.Phe186Leu)

Gene: PIGN (phosphatidylinositol glycan anchor biosynthesis class N; minus strand). Cytogenetic location: 18q21.33.
Variant type: single nucleotide variant.
Coding change: c.556T>C on transcript NM_176787.5 (MANE Select); coding-DNA position 556, T replaced by C.
Protein change: p.Phe186Leu; replaces phenylalanine 186 with leucine.
Molecular consequence: missense variant.
Genome position (GRCh38, 1-based): chr18:62,148,332, A>G on the plus strand (T>C on the coding strand, the complement: PIGN is on the minus strand). VCF-style: chr18-62148332-A-G. GRCh37 (hg19) VCF-style: chr18-59815565-A-G.
Other names: c.556T>C, p.Phe186Leu (NM_012327.6); c.556T>C (NM_176787.4); short protein forms F186L.
Identifiers: ClinVar variation 2167608 (VCV002167608.2), dbSNP rs960401470, ClinGen allele CA301686130.
Genomic context (GRCh38, chr18:62,148,332, plus strand): 5'-AAACTATTTTCTCTTCATTTATTTTAGAAAACAAAGACTGGTTGTTTCTGGCATGATGAA[A>G]GAAGTCCTACATATAACAAATGAGTTAAAAATATTTAGTTCATTTGTTTTATTTTAAAAA-3'
Protein context (NP_789744.1, residues 176-196): TWVFDNVKDF[Phe186Leu]HHARNNQSLF

ClinVar aggregate classification (germline): Uncertain significance. Review status: criteria provided, multiple submitters, no conflicts (2 of 4 stars). 2 submissions from 2 submitters: Uncertain significance (2). Last evaluated 2025-07-12.

Conditions:
Inborn genetic diseases. Identifiers: MedGen C0950123, MeSH D030342.
Multiple congenital anomalies-hypotonia-seizures syndrome 1 (MCAHS1). Also called: PIGN-CDG; Congenital disorder of glycosylation due to PIGN deficiency; GLYCOSYLPHOSPHATIDYLINOSITOL BIOSYNTHESIS DEFECT 3. Identifiers: Orphanet 280633, MedGen C3279775, MONDO:0013563, OMIM 614080.

Allele frequency attached by ClinVar (database versions not stated): gnomAD 0.00001; TOPMed 0.00003.

Submissions (2):

Ambry Genetics
Classification: Uncertain significance for Inborn genetic diseases. Last evaluated: 2025-07-12. Review status: criteria provided, single submitter. Criteria: Ambry Variant Classification Scheme 2023. Collection method: clinical testing. Allele origin: germline.

Labcorp Genetics (formerly Invitae), Labcorp
Classification: Uncertain significance for Multiple congenital anomalies-hypotonia-seizures syndrome 1. Last evaluated: 2022-09-01. Review status: criteria provided, single submitter. Criteria: Invitae Variant Classification Sherloc (09022015). Collection method: clinical testing. Allele origin: germline.
Comment: This sequence change replaces phenylalanine, which is neutral and non-polar, with leucine, which is neutral and non-polar, at codon 186 of the PIGN protein (p.Phe186Leu). This variant is not present in population databases (gnomAD no frequency). This variant has not been reported in the literature in individuals affected with PIGN-related conditions. Algorithms developed to predict the effect of missense changes on protein structure and function (SIFT, PolyPhen-2, Align-GVGD) all suggest that this variant is likely to be tolerated. In summary, the available evidence is currently insufficient to determine the role of this variant in disease. Therefore, it has been classified as a Variant of Uncertain Significance.